The following is an entry in ClinVar:

ClinVar aggregate classification (germline): Pathogenic (1 of 4 stars; one submission).

Submission:

Labcorp Genetics (formerly Invitae), Labcorp
Classification: Pathogenic. Last evaluated: 2022-11-02. Review status: criteria provided, single submitter. Criteria: Invitae Variant Classification Sherloc (09022015). Collection method: clinical testing. Allele origin: germline.
Comment: For these reasons, this variant has been classified as Pathogenic. This variant disrupts a region of the COL4A4 protein in which other variant(s) (p.Arg1682Gln) have been determined to be pathogenic (PMID: 17216251, 26809805, 27859054). This suggests that this is a clinically significant region of the protein, and that variants that disrupt it are likely to be disease-causing. This variant has not been reported in the literature in individuals affected with COL4A4-related conditions. This variant is not present in population databases (gnomAD no frequency). This sequence change creates a premature translational stop signal (p.Trp1592*) in the COL4A4 gene. While this is not anticipated to result in nonsense mediated decay, it is expected to disrupt the last 99 amino acid(s) of the COL4A4 protein.

Literature cited by the submitters: PubMed 17216251; PubMed 26809805; PubMed 27859054.

NM_000092.5(COL4A4):c.4776G>A (p.Trp1592Ter)

Gene: COL4A4 (collagen type IV alpha 4 chain; minus strand). Cytogenetic location: 2q36.3.
Variant type: single nucleotide variant.
Coding change: c.4776G>A on transcript NM_000092.5 (MANE Select); coding-DNA position 4776, G replaced by A.
Protein change: p.Trp1592Ter; replaces tryptophan 1592 with a stop codon.
Molecular consequence: nonsense.
Genome position (GRCh38, 1-based): chr2:227,008,051, C>T on the plus strand (G>A on the coding strand, the complement: COL4A4 is on the minus strand). VCF-style: chr2-227008051-C-T. GRCh37 (hg19) VCF-style: chr2-227872767-C-T.
Other names: short protein forms W1592*.
Identifiers: ClinVar variation 2810984 (VCV002810984.3), dbSNP rs2472602654, ClinGen allele CA351140507.